The following is an entry in ClinVar:

ClinVar aggregate classification (germline): Conflicting classifications of pathogenicity. Review status: criteria provided, conflicting classifications (1 of 4 stars). 3 submissions from 3 submitters: Uncertain significance (2); Likely benign (1). Last evaluated 2026-04-30.

Conditions:
ABCG5-related disorder. Also called: ABCG5-related condition.
Cardiovascular phenotype. Identifiers: MedGen CN230736.
Sitosterolemia (STSL). Also called: PHYTOSTEROLEMIA. Identifiers: Orphanet 2882, MedGen C0342907, MONDO:0008863.

Allele frequency attached by ClinVar (database versions not stated): gnomAD 0.00001; ExAC 0.00005; ESP Exome Variant Server 0.00015; TOPMed 0.00002; gnomAD exomes 0.00002.
gnomAD v4.1: 38 of 1,613,746 alleles (0.0024%); highest among the groups gnomAD compares: East Asian, 0.0067%; no homozygotes.

Submissions (3):

PreventionGenetics, part of Exact Sciences
Classification: Uncertain significance for ABCG5-related condition. Last evaluated: 2026-04-30. Review status: criteria provided, single submitter. Criteria: ACMG Guidelines, 2015. Collection method: clinical testing. Allele origin: germline.
Comment: The ABCG5 c.1330G>A variant is predicted to result in the amino acid substitution p.Val444Met. To our knowledge, this variant has not been reported in the literature. This variant is reported in 10 alleles out of 281942 total alleles in gnomAD. At this time, the clinical significance of this variant is uncertain due to the absence of conclusive functional and genetic evidence.

Ambry Genetics
Classification: Likely benign for Cardiovascular phenotype. Last evaluated: 2025-12-04. Review status: criteria provided, single submitter. Criteria: Ambry Variant Classification Scheme 2023. Collection method: clinical testing. Allele origin: germline.

Labcorp Genetics (formerly Invitae), Labcorp
Classification: Uncertain significance for Sitosterolemia. Last evaluated: 2025-09-08. Review status: criteria provided, single submitter. Criteria: Invitae Variant Classification Sherloc (09022015). Collection method: clinical testing. Allele origin: germline.
Comment: This sequence change replaces valine, which is neutral and non-polar, with methionine, which is neutral and non-polar, at codon 444 of the ABCG5 protein (p.Val444Met). This variant is present in population databases (rs375313472, gnomAD 0.006%). This variant has not been reported in the literature in individuals affected with ABCG5-related conditions. ClinVar contains an entry for this variant (Variation ID: 2200694). An algorithm developed to predict the effect of missense changes on protein structure and function outputs the following: PolyPhen-2: "Benign". The methionine amino acid residue is found in multiple mammalian species, which suggests that this missense change does not adversely affect protein function. In summary, the available evidence is currently insufficient to determine the role of this variant in disease. Therefore, it has been classified as a Variant of Uncertain Significance.

NM_022436.3(ABCG5):c.1330G>A (p.Val444Met)

Genes: ABCG5 (ATP binding cassette subfamily G member 5; minus strand), DYNC2LI1 (dynein cytoplasmic 2 light intermediate chain 1; plus strand). Cytogenetic location: 2p21.
Variant type: single nucleotide variant.
Coding change: c.1330G>A on transcript NM_022436.3 (MANE Select); coding-DNA position 1330, G replaced by A.
Protein change: p.Val444Met; replaces valine 444 with methionine.
Molecular consequence: missense variant. On other transcripts: intron variant (2).
Genome position (GRCh38, 1-based): chr2:43,822,930, C>T on the plus strand (G>A on the coding strand, the complement: ABCG5 is on the minus strand). VCF-style: chr2-43822930-C-T. GRCh37 (hg19) VCF-style: chr2-44050069-C-T.
Other names: c.*16-4456C>T (NM_001348913.2, NM_001348912.2); short protein forms V444M.
Identifiers: ClinVar variation 2200694 (VCV002200694.2), dbSNP rs375313472, ClinGen allele CA1636307.